The following is an entry in ClinVar:

ClinVar aggregate classification (germline): Likely pathogenic. Review status: reviewed by expert panel (3 of 4 stars). 3 submissions from 3 submitters: Likely pathogenic (1). 2 of the submissions do not count toward it. Last evaluated 2025-06-09.

Conditions:
Monogenic diabetes. Identifiers: Orphanet 183625, MedGen C3888631, MONDO:0015967.
Maturity-onset diabetes of the young (MODY). Also called: Maturity onset diabetes mellitus in young. Identifiers: Orphanet 552, MedGen C0342276, MONDO:0018911, HP:0004904.
Maturity-onset diabetes of the young type 3. Also called: MODY type 3; MODY, type III. Identifiers: Orphanet 552, MedGen C1838100, MeSH C563933, MONDO:0010894, OMIM 600496. Disease mechanism: loss of function.

Submissions (3):

ClinGen Monogenic Diabetes Variant Curation Expert Panel
Classification: Likely pathogenic for Monogenic diabetes. Last evaluated: 2025-06-09. Review status: reviewed by expert panel. Criteria: ClinGen Diabetes ACMG Specifications HNF1A V2.1.0. Collection method: curation. Allele origin: germline. Inheritance: Autosomal dominant inheritance.
Comment: The c.313dup variant in the HNF1 homeobox A gene, HNF1A, causes a frameshift in the protein at codon 105 (NM_000545.8), adding 83 novel amino acids before encountering a stop codon (p.(Glu105GlyfsTer83)). This variant, located in biologically-relevant exon 1 of 10, is predicted to lead to nonsense mediated decay in a gene in which loss-of-function is an established disease mechanism (PVS1; PMID: 23348805). Additionally, this variant is absent from gnomAD v2.1.1 and v4.1.0 (PM2_Supporting). In summary, c.313dup meets the criteria to be classified as likely pathogenic for monogenic diabetes. ACMG/AMP criteria applied, as specified by the ClinGen MDEP (specification version 2.1.0, approved 8/11/23): PVS1, PM2_Supporting.

Women's Health and Genetics/Laboratory Corporation of America, LabCorp
Classification: Likely pathogenic for MODY3. Last evaluated: 2011-08-18. Review status: criteria provided, single submitter. Criteria: LabCorp Variant Classification Summary - May 2015. Collection method: curation, clinical testing. Allele origin: germline. Inheritance: autosomal unknown. Affected: yes. Not counted in ClinVar's aggregate classification.
ClinVar note: Converted during submission from likely pathogenic to Likely pathogenic.

Clinical Genomics, Uppaluri K&H Personalized Medicine Clinic
Classification: Likely pathogenic for Maturity-onset diabetes of the young. Review status: criteria provided, single submitter. Criteria: K & H Uppaluri Personalized Medicine Clinic Variant Classification & Assertion Criteria_Updated V.1. Collection method: research. Allele origin: unknown. Inheritance: Autosomal dominant inheritance. Not counted in ClinVar's aggregate classification.
Comment: Mutations in HNF1A gene can predispose to MODY3. It is associated with both micro and macrovascular complications of diabetes, especially cardiovascular complications. Associated with glucosuria. May respond well to sulfonylureas. However, more evidence is required to confer the association of this particular variant rs193922594 with MODY3.

Literature cited by the submitters: PubMed 23348805 (cited by ClinGen Monogenic Diabetes Variant Curation Expert Panel); PubMed 31517624 (cited by Clinical Genomics, Uppaluri K&H Personalized Medicine Clinic); PubMed 32395877 (cited by Clinical Genomics, Uppaluri K&H Personalized Medicine Clinic); PubMed 35328643 (cited by Clinical Genomics, Uppaluri K&H Personalized Medicine Clinic); PubMed 35673428 (cited by Clinical Genomics, Uppaluri K&H Personalized Medicine Clinic).

NM_000545.8(HNF1A):c.313dup (p.Glu105fs)

Gene: HNF1A (HNF1 homeobox A; plus strand). Cytogenetic location: 12q24.31.
Variant type: Duplication.
Coding change: c.313dup on transcript NM_000545.8 (MANE Select); coding-DNA position 313, one base duplicated (G; older notation c.313dupG).
Protein change: p.Glu105fs; shifts the reading frame from glutamic acid 105.
Molecular consequence: frameshift variant.
Genome position (GRCh38, 1-based): chr12:120,979,081, G duplicated; the last of 2 consecutive G bases (chr12:120,979,080-120,979,081); duplicating either gives the same sequence. VCF-style (leftmost placement, unchanged base first): chr12-120979079-T-TG. GRCh37 (hg19) VCF-style: chr12-121416882-T-TG.
Other names: NM_000545.8(HNF1A):c.313dup; p.Glu105fs; c.313dup, p.Glu105fs (NM_001306179.2); short protein forms E105fs.
Identifiers: ClinVar variation 36817 (VCV000036817.8), dbSNP rs193922594, ClinGen allele CA214298.